The following is an entry in ClinVar:

ClinVar aggregate classification (germline): Uncertain significance (1 of 4 stars; one submission).

Conditions:
Neurodevelopmental disorder with hypotonia, dysmorphic facies, and skeletal anomalies, with or without seizures (NEDFSS). Also called: TRPM3-Related Neurodevelopmental Disorder. Identifiers: MedGen C5830244, MONDO:0859365, OMIM 620224.

gnomAD v4.1: 1 of 1,614,142 alleles (0.000062%); highest among the groups gnomAD compares: South Asian, 0.0011%; no homozygotes.

Submission:

Clinical Genomics Laboratory, Washington University in St. Louis
Classification: Uncertain significance for Neurodevelopmental disorder with hypotonia, dysmorphic facies, and skeletal anomalies, with or without seizures. Last evaluated: 2023-12-19. Review status: criteria provided, single submitter. Criteria: ACMG Guidelines, 2015. Collection method: clinical testing. Allele origin: germline.
Comment: The TRPM3 c.4698G>T (p.Arg1566Ser) variant, to our knowledge, has not been reported in the medical literature and is absent from the general population (gnomAD v.2.1.1), indicating it is not a common variant. Computational predictors are uncertain as to the impact of this variant on TRPM3 function. Due to limited information, and based on ACMG/AMP guidelines for variant interpretation (Richards S et al., PMID: 25741868), the clinical significance of this variant is uncertain at this time.

NM_001366145.2(TRPM3):c.4698G>T (p.Arg1566Ser)

Genes: KLF9-DT (KLF9 divergent transcript; plus strand), TRPM3 (transient receptor potential cation channel subfamily M member 3; minus strand). Cytogenetic location: 9q21.12.
Variant type: single nucleotide variant.
Coding change: c.4698G>T on transcript NM_001366145.2 (MANE Select); coding-DNA position 4698, G replaced by T.
Protein change: p.Arg1566Ser; replaces arginine 1566 with serine.
Molecular consequence: missense variant. On other transcripts: intron variant (8).
Genome position (GRCh38, 1-based): chr9:70,536,415, C>A on the plus strand (G>T on the coding strand, the complement: TRPM3 is on the minus strand). VCF-style: chr9-70536415-C-A. GRCh37 (hg19) VCF-style: chr9-73151331-C-A.
Other names: c.4662G>T, p.Arg1554Ser (NM_001007471.4); c.4668G>T, p.Arg1556Ser (NM_001366141.2, NM_001366149.2); c.4773G>T, p.Arg1591Ser (NM_001366147.2); c.4203G>T, p.Arg1401Ser (NM_020952.6); c.4239G>T, p.Arg1413Ser (NM_024971.7); c.4173G>T, p.Arg1391Ser (NM_206944.5); c.4209G>T, p.Arg1403Ser (NM_206945.5); c.4278G>T, p.Arg1426Ser (NM_206946.5); and 9 more; short protein forms R1391S, R1401S, R1403S, R1413S, R1416S, R1426S, R1554S, R1556S.
Identifiers: ClinVar variation 3236575 (VCV003236575.1), dbSNP rs371292628, ClinGen allele CA373548629.